The following is an entry in ClinVar:

ClinVar aggregate classification (germline): Uncertain significance (1 of 4 stars; one submission).

Conditions:
Epidermolysis bullosa simplex with nail dystrophy (EBS5D). Identifiers: MedGen C4225309, MONDO:0014661, OMIM 616487.
Epidermolysis bullosa simplex 5C, with pyloric atresia (EBS5C). Also called: PLEC-Related Epidermolysis Bullosa with Pyloric Atresia; Epidermolysis bullosa simplex with pyloric atresia; PLEC1-Related Epidermolysis Bullosa with Pyloric Atresia. Identifiers: Orphanet 158684, MedGen C2677349, MONDO:0012807, OMIM 612138.
Autosomal recessive limb-girdle muscular dystrophy type 2Q (LGMDR17). Also called: MUSCULAR DYSTROPHY, LIMB-GIRDLE, AUTOSOMAL RECESSIVE 17. Identifiers: Orphanet 254361, MedGen C3150989, MONDO:0013390, OMIM 613723.
Epidermolysis bullosa simplex, Ogna type (EBS5A). Also called: Pidermolysis bullosa simplex 5A, Ogna type; EPIDERMOLYSIS BULLOSA SIMPLEX 5A, OGNA TYPE. Identifiers: Orphanet 79401, MedGen C0432317, MONDO:0007555, OMIM 131950.
Epidermolysis bullosa simplex 5B, with muscular dystrophy (EBS5B). Also called: EPIDERMOLYSIS BULLOSA SIMPLEX AND LIMB-GIRDLE MUSCULAR DYSTROPHY; Epidermolysis bullosa simplex with muscular dystrophy. Identifiers: Orphanet 257, MedGen C2931072, MONDO:0009181, OMIM 226670.

gnomAD v4.1: 1 of 1,611,746 alleles (0.000062%); highest among the groups gnomAD compares: Admixed American, 0.0017%; no homozygotes.

Submission:

Labcorp Genetics (formerly Invitae), Labcorp
Classification: Uncertain significance for Autosomal recessive limb-girdle muscular dystrophy type 2Q; Epidermolysis bullosa simplex, Ogna type; Epidermolysis bullosa simplex with nail dystrophy; Epidermolysis bullosa simplex 5C, with pyloric atresia; Epidermolysis bullosa simplex 5B, with muscular dystrophy. Last evaluated: 2023-11-14. Review status: criteria provided, single submitter. Criteria: Invitae Variant Classification Sherloc (09022015). Collection method: clinical testing. Allele origin: germline.
Comment: This sequence change replaces isoleucine, which is neutral and non-polar, with phenylalanine, which is neutral and non-polar, at codon 424 of the PLEC protein (p.Ile424Phe). This variant is not present in population databases (gnomAD no frequency). This variant has not been reported in the literature in individuals affected with PLEC-related conditions. Experimental studies and prediction algorithms are not available or were not evaluated, and the functional significance of this variant is currently unknown. In summary, the available evidence is currently insufficient to determine the role of this variant in disease. Therefore, it has been classified as a Variant of Uncertain Significance.

NM_201384.3(PLEC):c.1189A>T (p.Ile397Phe)

Gene: PLEC (plectin; minus strand). Cytogenetic location: 8q24.3.
Variant type: single nucleotide variant.
Coding change: c.1189A>T on transcript NM_201384.3 (MANE Select); coding-DNA position 1189, A replaced by T.
Protein change: p.Ile397Phe; replaces isoleucine 397 with phenylalanine.
Molecular consequence: missense variant.
Genome position (GRCh38, 1-based): chr8:143,934,072, T>A on the plus strand (A>T on the coding strand, the complement: PLEC is on the minus strand). VCF-style: chr8-143934072-T-A. GRCh37 (hg19) VCF-style: chr8-145008240-T-A.
Other names: c.1270A>T, p.Ile424Phe (NM_000445.5, NM_001410941.1); c.1147A>T, p.Ile383Phe (NM_201378.4); c.1123A>T, p.Ile375Phe (NM_201379.3); c.1600A>T, p.Ile534Phe (NM_201380.4); c.1093A>T, p.Ile365Phe (NM_201381.3); c.1189A>T, p.Ile397Phe (NM_201382.4); c.1201A>T, p.Ile401Phe (NM_201383.3); short protein forms I397F, I534F, I424F, I365F, I375F, I383F, I401F.
Identifiers: ClinVar variation 2932294 (VCV002932294.3), dbSNP rs781822034, ClinGen allele CA372584193.